The following is an entry in ClinVar:

NM_001267550.2(TTN):c.29129T>A (p.Val9710Glu)

Gene: TTN (titin; minus strand). Cytogenetic location: 2q31.2.
Variant type: single nucleotide variant.
Coding change: c.29129T>A on transcript NM_001267550.2 (MANE Select); coding-DNA position 29129, T replaced by A.
Protein change: p.Val9710Glu; replaces valine 9710 with glutamic acid.
Molecular consequence: missense variant. On other transcripts: intron variant (3).
Genome position (GRCh38, 1-based): chr2:178,706,867, A>T on the plus strand (T>A on the coding strand, the complement: TTN is on the minus strand). VCF-style: chr2-178706867-A-T. GRCh37 (hg19) VCF-style: chr2-179571594-A-T.
Other names: c.28178T>A, p.Val9393Glu (NM_001256850.1); c.25397T>A, p.Val8466Glu (NM_133378.4); c.13282+31215T>A (NM_003319.4); c.13858+31215T>A (NM_133437.4); c.13657+31215T>A (NM_133432.3); short protein forms V8466E, V9710E, V9393E.
Identifiers: ClinVar variation 4977851 (VCV004977851.1).

ClinVar aggregate classification (germline): Uncertain significance (1 of 4 stars; one submission).

Conditions:
TTN-related disorder. Also called: TTN-related condition; TTN-related disease; TTN-related disorders.

gnomAD v4.1: 2 of 1,611,936 alleles (0.00012%); highest among the groups gnomAD compares: African/African-American, 0.0027%; no homozygotes.

Submission:

PreventionGenetics, part of Exact Sciences
Classification: Uncertain significance for TTN-related condition. Last evaluated: 2025-07-02. Review status: criteria provided, single submitter. Criteria: ACMG Guidelines, 2015. Collection method: clinical testing. Allele origin: germline.
Comment: The TTN c.29129T>A variant is predicted to result in the amino acid substitution p.Val9710Glu. To our knowledge, this variant has not been reported in the literature or in a large population database (gnomAD), indicating this variant is rare. At this time, the clinical significance of this variant is uncertain due to the absence of conclusive functional and genetic evidence.